The following is an entry in ClinVar:

ClinVar aggregate classification (germline): Uncertain significance. Review status: criteria provided, multiple submitters, no conflicts (2 of 4 stars). 3 submissions from 3 submitters: Uncertain significance (3). Last evaluated 2024-04-12.

Allele frequency attached by ClinVar (database versions not stated): gnomAD 0.00001; TOPMed 0.00001; ExAC 0.00002; gnomAD exomes 0.00002.

Submissions (3):

Women's Health and Genetics/Laboratory Corporation of America, LabCorp
Classification: Uncertain significance. Last evaluated: 2024-04-12. Review status: criteria provided, single submitter. Criteria: LabCorp Variant Classification Summary - May 2015. Collection method: clinical testing. Allele origin: germline.
Comment: Variant summary: LPL c.685C>G (p.His229Asp) results in a non-conservative amino acid change located in the Lipase domain (IPR013818) of the encoded protein sequence. Five of five in-silico tools predict a damaging effect of the variant on protein function. The variant allele was found at a frequency of 1.6e-05 in 251474 control chromosomes. The available data on variant occurrences in the general population are insufficient to allow any conclusion about variant significance. c.685C>G has been reported in the literature in individuals affected with coronary artery disease or hypertriglyceridemia, without reported genotypes and without evidence of causality (e.g. Khera_2017, Deshotels_2022). These reports do not provide unequivocal conclusions about association of the variant with Familial Lipoprotein Lipase Deficiency. To our knowledge, no experimental evidence demonstrating an impact on protein function has been reported. The following publications have been ascertained in the context of this evaluation (PMID: 36325899, 28267856). ClinVar contains an entry for this variant (Variation ID: 1684865). Based on the evidence outlined above, the variant was classified as uncertain significance.

Mayo Clinic Laboratories, Mayo Clinic
Classification: Uncertain significance. Last evaluated: 2024-02-09. Review status: criteria provided, single submitter. Criteria: ACMG Guidelines, 2015. Collection method: clinical testing. Allele origin: germline. Observed: 1 variant allele.

Mendelics
Classification: Uncertain significance. Last evaluated: 2022-05-04. Review status: criteria provided, single submitter. Criteria: Mendelics Assertion Criteria 2019. Collection method: clinical testing. Allele origin: germline.

Literature cited by the submitters: PubMed 28267856 (cited by Women's Health and Genetics/Laboratory Corporation of America, LabCorp and Mayo Clinic Laboratories, Mayo Clinic); PubMed 36325899 (cited by Women's Health and Genetics/Laboratory Corporation of America, LabCorp).

NM_000237.3(LPL):c.685C>G (p.His229Asp)

Gene: LPL (lipoprotein lipase; plus strand). Cytogenetic location: 8p21.3.
Variant type: single nucleotide variant.
Coding change: c.685C>G on transcript NM_000237.3 (MANE Select); coding-DNA position 685, C replaced by G.
Protein change: p.His229Asp; replaces histidine 229 with aspartic acid.
Molecular consequence: missense variant.
Genome position (GRCh38, 1-based): chr8:19,954,263, C>G. VCF-style: chr8-19954263-C-G. GRCh37 (hg19) VCF-style: chr8-19811774-C-G.
Other names: p.His229Asp; short protein forms H229D.
Identifiers: ClinVar variation 1684865 (VCV001684865.3), dbSNP rs769439327, ClinGen allele CA4655493.